The following is an entry in ClinVar:

ClinVar aggregate classification (germline): Uncertain significance (1 of 4 stars; one submission).

Conditions:
Hereditary cancer-predisposing syndrome. Also called: Hereditary Cancer Syndrome; Hereditary neoplastic syndrome; Neoplastic Syndromes, Hereditary; Tumor predisposition. Identifiers: Orphanet 140162, MedGen C0027672, MeSH D009386, MONDO:0015356.

Submission:

Ambry Genetics
Classification: Uncertain significance for Hereditary cancer-predisposing syndrome. Last evaluated: 2021-08-25. Review status: criteria provided, single submitter. Criteria: Ambry Variant Classification Scheme 2023. Collection method: clinical testing. Allele origin: germline.
Comment: The p.P1401S variant (also known as c.4201C>T), located in coding exon 20 of the MET gene, results from a C to T substitution at nucleotide position 4201. The proline at codon 1401 is replaced by serine, an amino acid with similar properties. This amino acid position is not well conserved in available vertebrate species. In addition, this alteration is predicted to be tolerated by in silico analysis. Since supporting evidence is limited at this time, the clinical significance of this alteration remains unclear.

NM_000245.4(MET):c.4147C>T (p.Pro1383Ser)

Gene: MET (MET proto-oncogene, receptor tyrosine kinase; plus strand). Cytogenetic location: 7q31.2.
Variant type: single nucleotide variant.
Coding change: c.4147C>T on transcript NM_000245.4 (MANE Select); coding-DNA position 4147, C replaced by T.
Protein change: p.Pro1383Ser; replaces proline 1383 with serine.
Molecular consequence: missense variant.
Genome position (GRCh38, 1-based): chr7:116,796,098, C>T. VCF-style: chr7-116796098-C-T. GRCh37 (hg19) VCF-style: chr7-116436152-C-T.
Other names: c.4201C>T, p.Pro1401Ser (NM_001127500.3); c.2857C>T, p.Pro953Ser (NM_001324402.2); short protein forms P953S, P1383S, P1401S.
Identifiers: ClinVar variation 1738664 (VCV001738664.2), dbSNP rs2117113810, ClinGen allele CA369118490.